The following is an entry in ClinVar:

ClinVar aggregate classification (germline): Uncertain significance (1 of 4 stars; one submission).

Submission:

Labcorp Genetics (formerly Invitae), Labcorp
Classification: Uncertain significance. Last evaluated: 2024-06-20. Review status: criteria provided, single submitter. Criteria: Invitae Variant Classification Sherloc (09022015). Collection method: clinical testing. Allele origin: germline.
Comment: This sequence change replaces glutamic acid, which is acidic and polar, with aspartic acid, which is acidic and polar, at codon 233 of the MYO7A protein (p.Glu233Asp). This variant is not present in population databases (gnomAD no frequency). This variant has not been reported in the literature in individuals affected with MYO7A-related conditions. ClinVar contains an entry for this variant (Variation ID: 1471217). Advanced modeling of protein sequence and biophysical properties (such as structural, functional, and spatial information, amino acid conservation, physicochemical variation, residue mobility, and thermodynamic stability) performed at Invitae indicates that this missense variant is not expected to disrupt MYO7A protein function with a negative predictive value of 95%. In summary, the available evidence is currently insufficient to determine the role of this variant in disease. Therefore, it has been classified as a Variant of Uncertain Significance.

NM_000260.4(MYO7A):c.699G>T (p.Glu233Asp)

Gene: MYO7A (myosin VIIA; plus strand). Cytogenetic location: 11q13.5.
Variant type: single nucleotide variant.
Coding change: c.699G>T on transcript NM_000260.4 (MANE Select); coding-DNA position 699, G replaced by T.
Protein change: p.Glu233Asp; replaces glutamic acid 233 with aspartic acid.
Molecular consequence: missense variant.
Genome position (GRCh38, 1-based): chr11:77,156,968, G>T. VCF-style: chr11-77156968-G-T. GRCh37 (hg19) VCF-style: chr11-76868014-G-T.
Other names: c.699G>T, p.Glu233Asp (NM_001127180.2); c.666G>T, p.Glu222Asp (NM_001369365.1); short protein forms E222D, E233D.
Identifiers: ClinVar variation 1471217 (VCV001471217.6), dbSNP rs2135239809, ClinGen allele CA381932244.